The following is an entry in ClinVar:

ClinVar aggregate classification (germline): Benign. Review status: criteria provided, multiple submitters, no conflicts (2 of 4 stars). 6 submissions from 6 submitters: Benign (5). 1 of the submissions does not count toward it. Last evaluated 2026-09-01.

Allele frequency attached by ClinVar (database versions not stated): 1000 Genomes Project 0.00240; 1000 Genomes Project 30x 0.00281; gnomAD 0.00668 and 0.00675; ExAC 0.00693; TOPMed 0.00710; gnomAD exomes 0.00734 and 0.01104; ESP Exome Variant Server 0.00846.
gnomAD v4.1: 17,024 of 1,614,090 alleles (1.1%); highest among the groups gnomAD compares: Non-Finnish European, 1.3%; 119 homozygotes.

Submissions (6):

CeGaT Center for Human Genetics Tuebingen
Classification: Benign. Last evaluated: 2026-09-01. Review status: criteria provided, single submitter. Criteria: CeGaT Center For Human Genetics Tuebingen Variant Classification Criteria Version 2. Collection method: clinical testing. Allele origin: germline. Affected: yes. Observed: 17 variant alleles.
Comment: TET2: BS1, BS2

Labcorp Genetics (formerly Invitae), Labcorp
Classification: Benign. Last evaluated: 2026-01-26. Review status: criteria provided, single submitter. Criteria: Invitae Variant Classification Sherloc (09022015). Collection method: clinical testing. Allele origin: germline.

Mayo Clinic Laboratories, Mayo Clinic
Classification: Benign. Last evaluated: 2023-06-07. Review status: criteria provided, single submitter. Criteria: ACMG Guidelines, 2015. Collection method: clinical testing. Allele origin: germline. Observed: 7 variant alleles.
Comment: BS1, BS2, BP4

Genetic Services Laboratory, University of Chicago
Classification: Benign. Last evaluated: 2021-04-28. Review status: criteria provided, single submitter. Criteria: ACMG Guidelines, 2015. Collection method: clinical testing. Allele origin: germline. Affected: no.

Breakthrough Genomics
Classification: Benign. Review status: criteria provided, single submitter. Criteria: ACMG Guidelines, 2015. Collection method: not provided. Allele origin: germline. Inheritance: Autosomal recessive inheritance. Affected: yes.

ITMI
No classification provided. Condition: AllHighlyPenetrant. Last evaluated: 2013-09-19. Review status: no classification provided. Collection method: reference population. Allele origin: germline. Not counted in ClinVar's aggregate classification.
Comment: Please see associated publication for description of ethnicities

Literature cited by the submitters: PubMed 24728327 (cited by ITMI).

NM_001127208.3(TET2):c.2599T>C (p.Tyr867His)

Genes: TET2 (tet methylcytosine dioxygenase 2; plus strand), TET2-AS1 (TET2 antisense RNA 1; minus strand). Cytogenetic location: 4q24.
Variant type: single nucleotide variant.
Coding change: c.2599T>C on transcript NM_001127208.3 (MANE Select); coding-DNA position 2599, T replaced by C.
Protein change: p.Tyr867His; replaces tyrosine 867 with histidine.
Molecular consequence: missense variant.
Genome position (GRCh38, 1-based): chr4:105,236,541, T>C. VCF-style: chr4-105236541-T-C. GRCh37 (hg19) VCF-style: chr4-106157698-T-C.
Other names: c.2599T>C, p.Tyr867His (NM_017628.4); short protein forms Y867H.
Identifiers: ClinVar variation 135323 (VCV000135323.38), dbSNP rs144386291, ClinGen allele CA162380.